The following is an entry in ClinVar:

ClinVar aggregate classification (germline): Pathogenic/Likely pathogenic. Review status: criteria provided, multiple submitters, no conflicts (2 of 4 stars). 2 submissions from 2 submitters: Pathogenic (1); Likely pathogenic (1). Last evaluated 2026-04-20.

Conditions:
Polycystic kidney disease, adult type (PKD1). Also called: POLYCYSTIC KIDNEY DISEASE 1 WITH OR WITHOUT POLYCYSTIC LIVER DISEASE; POLYCYSTIC KIDNEY DISEASE, ADULT, TYPE I; Polycystic Kidney Disease 1, Autosomal Dominant; Polycystic kidney disease 1; Polycystic kidney disease 1, severe; Polycystic Kidney, Autosomal Dominant. Identifiers: MedGen C3149841, MONDO:0008263, OMIM 173900.

Submissions (2):

Department of Human Genetics, University Hospital Bern, Inselspital
Classification: Pathogenic for Polycystic kidney disease, adult type. Last evaluated: 2026-04-20. Review status: criteria provided, single submitter. Criteria: ACMG Guidelines, 2015. Collection method: clinical testing. Allele origin: paternal. Inheritance: Autosomal dominant inheritance. Affected: yes. Observed: 1 variant allele, 1 heterozygote.
Comment: The reported splice variant is classified as pathogenic according to ACMG criteria. It alters the highly conserved donor splice site of exon 44 and, as a result, most likely leads to the degradation of the corresponding mRNA (nonsense-mediated mRNA decay). The variant is not listed in the gnomAD v4.1 population database and, to our knowledge, has never been described in association with a genetic disorder. However, it is known that splicing variants in the PKD1 gene are a common cause of ADPKD (e.g. PMID: 37419908, 25757501, 37468838).

3billion
Classification: Likely pathogenic for Polycystic kidney disease, adult type. Last evaluated: 2025-06-20. Review status: criteria provided, single submitter. Criteria: ACMG Guidelines, 2015. Collection method: clinical testing. Allele origin: germline. Affected: yes.
Comment: The variant is not observed in the gnomAD v4.1.0 dataset. Predicted Consequence/Location: Canonical splice site: predicted to alter splicing and result in a loss or disruption of normal protein function. Multiple pathogenic loss-of-function variants are reported downstream of the variant. In silico tools predict the variant to alter splicing and produce an abnormal transcript [SpliceAI: 0.99 (spliceogenicity >=0.2, non-spliceogenicity <0.1)]. Therefore, this variant is classified as Likely pathogenic according to the recommendation of ACMG/AMP guideline.

Literature cited by the submitters: PubMed 37419908 (cited by Department of Human Genetics, University Hospital Bern, Inselspital); PubMed 25757501 (cited by Department of Human Genetics, University Hospital Bern, Inselspital); PubMed 37468838 (cited by Department of Human Genetics, University Hospital Bern, Inselspital).

NM_001009944.3(PKD1):c.12138+1G>A

Gene: PKD1 (polycystin 1, transient receptor potential channel interacting; minus strand). Cytogenetic location: 16p13.3.
Variant type: single nucleotide variant.
Coding change: c.12138+1G>A on transcript NM_001009944.3 (MANE Select); the canonical splice donor site of the intron after coding-DNA position 12138, G replaced by A.
Molecular consequence: splice donor variant.
Genome position (GRCh38, 1-based): chr16:2,090,673, C>T on the plus strand (G>A on the coding strand, the complement: PKD1 is on the minus strand). VCF-style: chr16-2090673-C-T. GRCh37 (hg19) VCF-style: chr16-2140674-C-T.
Other names: c.12135+1G>A (NM_000296.4).
Identifiers: ClinVar variation 4820314 (VCV004820314.2).